The following is an entry in ClinVar:

ClinVar aggregate classification (germline): Uncertain significance. Review status: criteria provided, multiple submitters, no conflicts (2 of 4 stars). 2 submissions from 2 submitters: Uncertain significance (2). Last evaluated 2024-10-07.

Conditions:
Familial cancer of breast. Also called: hereditary breast carcinoma; BREAST CANCER, FAMILIAL; Hereditary breast cancer. Identifiers: Orphanet 227535, MedGen C0346153, MONDO:0016419, OMIM 114480. Disease mechanism: loss of function.
Hereditary cancer-predisposing syndrome. Also called: Neoplastic Syndromes, Hereditary; Hereditary Cancer Syndrome; Hereditary neoplastic syndrome; Tumor predisposition. Identifiers: Orphanet 140162, MedGen C0027672, MeSH D009386, MONDO:0015356.

Allele frequency attached by ClinVar (database versions not stated): gnomAD exomes below 0.00001.
gnomAD v4.1: 1 of 1,580,476 alleles (0.000063%); highest among the groups gnomAD compares: Admixed American, 0.0019%; no homozygotes.

Submissions (2):

Ambry Genetics
Classification: Uncertain significance for Hereditary cancer-predisposing syndrome. Last evaluated: 2024-10-07. Review status: criteria provided, single submitter. Criteria: Ambry Variant Classification Scheme 2023. Collection method: clinical testing. Allele origin: germline.
Comment: The p.K236R variant (also known as c.707A>G), located in coding exon 4 of the BARD1 gene, results from an A to G substitution at nucleotide position 707. The lysine at codon 236 is replaced by arginine, an amino acid with highly similar properties. This amino acid position is highly conserved in available vertebrate species. In addition, this alteration is predicted to be tolerated by in silico analysis. Based on the available evidence, the clinical significance of this variant remains unclear.

Labcorp Genetics (formerly Invitae), Labcorp
Classification: Uncertain significance for Familial cancer of breast. Last evaluated: 2021-07-08. Review status: criteria provided, single submitter. Criteria: Invitae Variant Classification Sherloc (09022015). Collection method: clinical testing. Allele origin: germline.
Comment: This sequence change replaces lysine with arginine at codon 236 of the BARD1 protein (p.Lys236Arg). The lysine residue is highly conserved and there is a small physicochemical difference between lysine and arginine. This variant is not present in population databases (ExAC no frequency). This variant has not been reported in the literature in individuals affected with BARD1-related conditions. Algorithms developed to predict the effect of missense changes on protein structure and function (SIFT, PolyPhen-2, Align-GVGD) all suggest that this variant is likely to be tolerated. In summary, the available evidence is currently insufficient to determine the role of this variant in disease. Therefore, it has been classified as a Variant of Uncertain Significance.

NM_000465.4(BARD1):c.707A>G (p.Lys236Arg)

Gene: BARD1 (BRCA1 associated RING domain 1; minus strand). Cytogenetic location: 2q35.
Variant type: single nucleotide variant.
Coding change: c.707A>G on transcript NM_000465.4 (MANE Select); coding-DNA position 707, A replaced by G.
Protein change: p.Lys236Arg; replaces lysine 236 with arginine.
Molecular consequence: missense variant. On other transcripts: intron variant (3), non-coding transcript variant (2).
Genome position (GRCh38, 1-based): chr2:214,781,167, T>C on the plus strand (A>G on the coding strand, the complement: BARD1 is on the minus strand). VCF-style: chr2-214781167-T-C. GRCh37 (hg19) VCF-style: chr2-215645891-T-C.
Other names: c.158+28245A>G (NM_001282548.2); c.215+15894A>G (NM_001282545.2); c.364+11130A>G (NM_001282549.2); c.707A>G (NM_000465.2); c.650A>G, p.Lys217Arg (NM_001282543.2); short protein forms K217R, K236R.
Identifiers: ClinVar variation 1436755 (VCV001436755.10), dbSNP rs1488654033, ClinGen allele CA350456317.